The following is an entry in ClinVar:

NM_003073.5(SMARCB1):c.210A>G (p.Lys70=)

Gene: SMARCB1 (SWI/SNF related BAF chromatin remodeling complex subunit B1; plus strand). Cytogenetic location: 22q11.23.
Variant type: single nucleotide variant.
Coding change: c.210A>G on transcript NM_003073.5 (MANE Select); coding-DNA position 210, A replaced by G.
Protein change: p.Lys70=; no amino-acid change (lysine 70 retained).
Molecular consequence: synonymous variant. On other transcripts: intron variant (2).
Genome position (GRCh38, 1-based): chr22:23,791,872, A>G. VCF-style: chr22-23791872-A-G. GRCh37 (hg19) VCF-style: chr22-24134059-A-G.
Other names: c.210A>G, p.Lys70= (NM_001362877.2); c.205+5A>G (NM_001317946.2, NM_001007468.3).
Identifiers: ClinVar variation 2696400 (VCV002696400.3), dbSNP rs2517660818, ClinGen allele CA513767969.

ClinVar aggregate classification (germline): Uncertain significance (1 of 4 stars; one submission).

Submission:

Labcorp Genetics (formerly Invitae), Labcorp
Classification: Uncertain significance. Last evaluated: 2023-11-17. Review status: criteria provided, single submitter. Criteria: Invitae Variant Classification Sherloc (09022015). Collection method: clinical testing. Allele origin: germline.
Comment: This sequence change affects codon 70 of the SMARCB1 mRNA. It is a 'silent' change, meaning that it does not change the encoded amino acid sequence of the SMARCB1 protein. This variant is not present in population databases (gnomAD no frequency). This variant has not been reported in the literature in individuals affected with SMARCB1-related conditions. Studies have shown that this variant is associated with inconclusive levels of altered splicing (Invitae). In summary, the available evidence is currently insufficient to determine the role of this variant in disease. Therefore, it has been classified as a Variant of Uncertain Significance.